The following is an entry in ClinVar:

ClinVar aggregate classification (germline): Likely benign (0 of 4 stars; one submission).

Conditions:
PHIP-related disorder. Also called: PHIP-related disorders; PHIP-related condition.

Allele frequency attached by ClinVar (database versions not stated): TOPMed 0.00001; ExAC 0.00005.
gnomAD v4.1: 54 of 1,606,448 alleles (0.0034%); highest among the groups gnomAD compares: Middle Eastern, 0.017%; no homozygotes.

Submission:

PreventionGenetics, part of Exact Sciences
Classification: Likely benign for PHIP-related condition. Last evaluated: 2021-08-31. Review status: no assertion criteria provided. Collection method: clinical testing. Allele origin: germline.
Comment: This variant is classified as likely benign based on ACMG/AMP sequence variant interpretation guidelines (Richards et al. 2015 PMID: 25741868, with internal and published modifications).

NM_017934.7(PHIP):c.4095C>T (p.Thr1365=)

Genes: IRAK1BP1 (interleukin 1 receptor associated kinase 1 binding protein 1; plus strand), PHIP (PHIP subunit of CUL4-Ring ligase complex; minus strand). Cytogenetic location: 6q14.1.
Variant type: single nucleotide variant.
Coding change: c.4095C>T on transcript NM_017934.7 (MANE Select); coding-DNA position 4095, C replaced by T.
Protein change: p.Thr1365=; no amino-acid change (threonine 1365 retained).
Molecular consequence: synonymous variant.
Genome position (GRCh38, 1-based): chr6:78,947,734, G>A on the plus strand (C>T on the coding strand, the complement: PHIP is on the minus strand). VCF-style: chr6-78947734-G-A. GRCh37 (hg19) VCF-style: chr6-79657451-G-A.
Identifiers: ClinVar variation 3060654 (VCV003060654.2), dbSNP rs755824385, ClinGen allele CA3899522.